The following is an entry in ClinVar:

ClinVar aggregate classification (germline): Uncertain significance (1 of 4 stars; one submission).

Conditions:
Familial sleep-related hypermotor epilepsy. Also called: Autosomal Dominant Sleep-Related Hypermotor (Hyperkinetic) Epilepsy. Identifiers: Orphanet 98784, MedGen C3696898, MONDO:0000030.

Submission:

Labcorp Genetics (formerly Invitae), Labcorp
Classification: Uncertain significance. Last evaluated: 2022-02-05. Review status: criteria provided, single submitter. Criteria: Invitae Variant Classification Sherloc (09022015). Collection method: clinical testing. Allele origin: germline.
Comment: In summary, the available evidence is currently insufficient to determine the role of this variant in disease. Therefore, it has been classified as a Variant of Uncertain Significance. Advanced modeling of protein sequence and biophysical properties (such as structural, functional, and spatial information, amino acid conservation, physicochemical variation, residue mobility, and thermodynamic stability) performed at Invitae indicates that this missense variant is expected to disrupt CHRNA2 protein function. This variant has not been reported in the literature in individuals affected with CHRNA2-related conditions. This variant is not present in population databases (gnomAD no frequency). This sequence change replaces glutamine, which is neutral and polar, with proline, which is neutral and non-polar, at codon 195 of the CHRNA2 protein (p.Gln195Pro).

NM_000742.4(CHRNA2):c.584A>C (p.Gln195Pro)

Gene: CHRNA2 (cholinergic receptor nicotinic alpha 2 subunit; minus strand). Cytogenetic location: 8p21.2.
Variant type: single nucleotide variant.
Coding change: c.584A>C on transcript NM_000742.4 (MANE Select); coding-DNA position 584, A replaced by C.
Protein change: p.Gln195Pro; replaces glutamine 195 with proline.
Molecular consequence: missense variant. On other transcripts: 5 prime UTR variant (1), splice acceptor variant (1).
Genome position (GRCh38, 1-based): chr8:27,463,859, T>G on the plus strand (A>C on the coding strand, the complement: CHRNA2 is on the minus strand). VCF-style: chr8-27463859-T-G. GRCh37 (hg19) VCF-style: chr8-27321376-T-G.
Other names: c.539A>C, p.Gln180Pro (NM_001282455.2); c.107A>C, p.Gln36Pro (NM_001347705.2, NM_001347706.2); c.-11A>C (NM_001347708.2); c.-9-2A>C (NM_001347707.2); short protein forms Q180P, Q195P, Q36P.
Identifiers: ClinVar variation 1403698 (VCV001403698.8), dbSNP rs2132654123, ClinGen allele CA370811283.